The following is an entry in ClinVar:

ClinVar aggregate classification (germline): Pathogenic. Review status: criteria provided, multiple submitters, no conflicts (2 of 4 stars). 3 submissions from 3 submitters: Pathogenic (3). Last evaluated 2025-10-01.

Conditions:
Developmental and epileptic encephalopathy, 11 (DEE11). Also called: Early infantile epileptic encephalopathy 11. Identifiers: Orphanet 1934, MedGen C3150987, MONDO:0013388, OMIM 613721.
Seizures, benign familial infantile, 3 (BFIS3). Also called: Familial neonatal seizures; CONVULSIONS, BENIGN FAMILIAL INFANTILE, 3. Identifiers: Orphanet 140927, Orphanet 306, MedGen C1843140, MONDO:0011904, OMIM 607745.

Submissions (3):

CeGaT Center for Human Genetics Tuebingen
Classification: Pathogenic. Last evaluated: 2025-10-01. Review status: criteria provided, single submitter. Criteria: CeGaT Center For Human Genetics Tuebingen Variant Classification Criteria Version 2. Collection method: clinical testing. Allele origin: germline. Affected: yes. Observed: 1 variant allele.
Comment: SCN2A: PVS1, PS2, PM2

Labcorp Genetics (formerly Invitae), Labcorp
Classification: Pathogenic for Seizures, benign familial infantile, 3; Developmental and epileptic encephalopathy, 11. Last evaluated: 2023-02-03. Review status: criteria provided, single submitter. Criteria: Invitae Variant Classification Sherloc (09022015). Collection method: clinical testing. Allele origin: germline.
Comment: This sequence change creates a premature translational stop signal (p.Arg583*) in the SCN2A gene. It is expected to result in an absent or disrupted protein product. Loss-of-function variants in SCN2A are known to be pathogenic (PMID: 28379373). This variant is not present in population databases (gnomAD no frequency). This premature translational stop signal has been observed in individual(s) with clinical features of SCN2A-related conditions (PMID: 25969726, 33000761). ClinVar contains an entry for this variant (Variation ID: 620152). For these reasons, this variant has been classified as Pathogenic.

GeneDx
Classification: Pathogenic. Last evaluated: 2018-10-12. Review status: criteria provided, single submitter. Criteria: GeneDx Variant Classification (06012015). Collection method: clinical testing. Allele origin: germline. Affected: yes.
Comment: The R583X nonsense variant in the SCN2A gene has been reported previously as a de novo change in an individual with autism (Codina-SolÃ  et al., 2015). This pathogenic variant is predicted to cause loss of normal protein function either through protein truncation or nonsense-mediated mRNA decay. The R583X variant is not observed in large population cohorts (Lek et al., 2016). Therefore, this variant is classified as pathogenic.

Literature cited by the submitters: PubMed 28379373 (cited by Labcorp Genetics (formerly Invitae), Labcorp); PubMed 25969726 (cited by Labcorp Genetics (formerly Invitae), Labcorp); PubMed 33000761 (cited by Labcorp Genetics (formerly Invitae), Labcorp).

NM_001040142.2(SCN2A):c.1747C>T (p.Arg583Ter)

Gene: SCN2A (sodium voltage-gated channel alpha subunit 2; plus strand). Cytogenetic location: 2q24.3.
Variant type: single nucleotide variant.
Coding change: c.1747C>T on transcript NM_001040142.2 (MANE Select); coding-DNA position 1747, C replaced by T.
Protein change: p.Arg583Ter; replaces arginine 583 with a stop codon.
Molecular consequence: nonsense.
Genome position (GRCh38, 1-based): chr2:165,323,231, C>T. VCF-style: chr2-165323231-C-T. GRCh37 (hg19) VCF-style: chr2-166179741-C-T.
Other names: c.1747C>T, p.Arg583Ter (NM_001040143.2, NM_001371246.1, NM_001371247.1 and 1 more transcripts); short protein forms R583*.
Identifiers: ClinVar variation 620152 (VCV000620152.12), dbSNP rs1553571901, ClinGen allele CA349026582.